The following is an entry in ClinVar:

ClinVar aggregate classification (germline): Benign. Review status: criteria provided, multiple submitters, no conflicts (2 of 4 stars). 6 submissions from 6 submitters: Benign (4). 2 of the submissions do not count toward it. Last evaluated 2026-02-03.

Conditions:
Charcot-Marie-Tooth disease. Also called: Charcot-Marie-Tooth Neuropathy; Charcot-Marie-Tooth Hereditary Neuropathy. Identifiers: Orphanet 166, MedGen C0007959, MONDO:0015626.
KIF1B-related disorder. Also called: KIF1B-related condition.
Charcot-Marie-Tooth disease type 2. Also called: Charcot-Marie-Tooth type 2. Identifiers: Orphanet 64746, MedGen C0270914, MONDO:0018993.

Allele frequency attached by ClinVar (database versions not stated): TOPMed 0.01560; ExAC 0.01779; ESP Exome Variant Server 0.01861; 1000 Genomes Project 30x 0.00609; 1000 Genomes Project 0.00659; gnomAD exomes 0.01837 and 0.02417; gnomAD 0.01962 and 0.01886.

Submissions (6):

Labcorp Genetics (formerly Invitae), Labcorp
Classification: Benign for Charcot-Marie-Tooth disease type 2. Last evaluated: 2026-02-03. Review status: criteria provided, single submitter. Criteria: Invitae Variant Classification Sherloc (09022015). Collection method: clinical testing. Allele origin: germline.

ARUP Laboratories, Molecular Genetics and Genomics, ARUP Laboratories
Classification: Benign. Last evaluated: 2025-07-28. Review status: criteria provided, single submitter. Criteria: ARUP Molecular Germline Variant Investigation Process 2024. Collection method: clinical testing. Allele origin: germline.

GeneDx
Classification: Benign. Last evaluated: 2015-03-03. Review status: criteria provided, single submitter. Criteria: GeneDx Variant Classification Process June 2021. Collection method: clinical testing. Allele origin: germline. Affected: yes.

Molecular Genetics Laboratory, London Health Sciences Centre
Classification: Benign for Charcot-Marie-Tooth disease. Review status: criteria provided, single submitter. Criteria: ACMG Guidelines, 2015. Collection method: clinical testing. Allele origin: germline. Affected: yes.

PreventionGenetics, part of Exact Sciences
Classification: Benign for KIF1B-related condition. Last evaluated: 2024-04-09. Review status: no assertion criteria provided. Collection method: clinical testing. Allele origin: germline. Not counted in ClinVar's aggregate classification.
Comment: This variant is classified as benign based on ACMG/AMP sequence variant interpretation guidelines (Richards et al. 2015 PMID: 25741868, with internal and published modifications).

Department of Pathology and Laboratory Medicine, Sinai Health System
Classification: Likely benign. Review status: no assertion criteria provided. Collection method: clinical testing. Allele origin: unknown. Affected: yes. Study: The Canadian Open Genetics Repository (COGR). Not counted in ClinVar's aggregate classification.
Comment: The KIF1B c.608+8dupA variant was not identified in the literature nor was it identified in the Cosmic database. The variant was identified in dbSNP (ID: rs139613776), ClinVar (classified as benign by Invitae and Prevention Genetics in 2017, likely benign by Illumina in 2016) and LOVD 3.0. The variant was identified in control databases in 5227 of 282654 chromosomes (87 homozygous) at a frequency of 0.018493 increasing the likelihood this could be a low frequency benign variant (Genome Aggregation Database Feb 27, 2017). The variant was observed in the following populations: European (Finnish) in 1053 of 25122 chromosomes (freq: 0.04192), European (non-Finnish) in 3413 of 129024 chromosomes (freq: 0.02645), Other in 155 of 7216 chromosomes (freq: 0.02148), Latino in 346 of 35434 chromosomes (freq: 0.009765), Ashkenazi Jewish in 70 of 10360 chromosomes (freq: 0.006757), African in 102 of 24956 chromosomes (freq: 0.004087), South Asian in 87 of 30614 chromosomes (freq: 0.002842), and East Asian in 1 of 19928 chromosomes (freq: 0.00005). The variant occurs outside of the splicing consensus sequence however 3 of 4 in silico or computational prediction software programs (SpliceSiteFinder, MaxEntScan, NNSPLICE) predict the creation of a new 5' splice site; this is not very predictive of pathogenicity. In summary, based on the above information the clinical significance of this variant cannot be determined with certainty at this time although we would lean towards a more benign role for this variant. This variant is classified as likely benign.

NM_001365951.3(KIF1B):c.608+8dup

Gene: KIF1B (kinesin family member 1B; plus strand). Cytogenetic location: 1p36.22.
Variant type: Duplication.
Coding change: c.608+8dup on transcript NM_001365951.3 (MANE Select); 8 bases into the intron after coding-DNA position 608, one base duplicated (A; older notation c.608+8dupA).
Molecular consequence: intron variant.
Genome position (GRCh38, 1-based): chr1:10,267,566, A duplicated. VCF-style (leftmost placement, unchanged base first): chr1-10267565-T-TA. GRCh37 (hg19) VCF-style: chr1-10327623-T-TA.
Other names: c.608+8dupA (NM_015074.3); c.608+8dup (NM_183416.4, NM_015074.3, NM_001365952.1 and 1 more transcripts).
Identifiers: ClinVar variation 220468 (VCV000220468.34), dbSNP rs139613776, ClinGen allele CA349420.